The following is an entry in ClinVar:

ClinVar aggregate classification (germline): Uncertain significance (1 of 4 stars; one submission).

Conditions:
Early-infantile DEE. Also called: Early infantile epileptic encephalopathy with suppression bursts; Early infantile epileptic encephalopathy; Ohtahara syndrome. Identifiers: Orphanet 1934, MedGen C0393706, MONDO:0800491.

Submission:

Labcorp Genetics (formerly Invitae), Labcorp
Classification: Uncertain significance for Early-infantile DEE. Last evaluated: 2024-01-06. Review status: criteria provided, single submitter. Criteria: Invitae Variant Classification Sherloc (09022015). Collection method: clinical testing. Allele origin: germline.
Comment: This sequence change replaces threonine, which is neutral and polar, with proline, which is neutral and non-polar, at codon 1633 of the SCN1A protein (p.Thr1633Pro). This variant is not present in population databases (gnomAD no frequency). This variant has not been reported in the literature in individuals affected with SCN1A-related conditions. Advanced modeling of protein sequence and biophysical properties (such as structural, functional, and spatial information, amino acid conservation, physicochemical variation, residue mobility, and thermodynamic stability) performed at Invitae indicates that this missense variant is expected to disrupt SCN1A protein function with a positive predictive value of 95%. In summary, the available evidence is currently insufficient to determine the role of this variant in disease. Therefore, it has been classified as a Variant of Uncertain Significance.

NM_001165963.4(SCN1A):c.4897A>C (p.Thr1633Pro)

Genes: SCN1A (sodium voltage-gated channel alpha subunit 1; minus strand), LOC102724058 (uncharacterized LOC102724058; plus strand). Cytogenetic location: 2q24.3.
Variant type: single nucleotide variant.
Coding change: c.4897A>C on transcript NM_001165963.4 (MANE Select); coding-DNA position 4897, A replaced by C.
Protein change: p.Thr1633Pro; replaces threonine 1633 with proline.
Molecular consequence: missense variant. On other transcripts: non-coding transcript variant (1).
Genome position (GRCh38, 1-based): chr2:165,992,378, T>G on the plus strand (A>C on the coding strand, the complement: SCN1A is on the minus strand). VCF-style: chr2-165992378-T-G. GRCh37 (hg19) VCF-style: chr2-166848888-T-G.
Other names: c.4864A>C, p.Thr1622Pro (NM_001353952.2, NM_006920.6, NM_001353949.2 and 2 more transcripts); c.4861A>C, p.Thr1621Pro (NM_001353954.2, NM_001353955.2); c.4813A>C, p.Thr1605Pro (NM_001353957.2, NM_001353958.2, NM_001165964.3); c.4810A>C, p.Thr1604Pro (NM_001353960.2); c.2455A>C, p.Thr819Pro (NM_001353961.2); c.4897A>C, p.Thr1633Pro (NM_001202435.3, NM_001353948.2); short protein forms T1605P, T1621P, T1622P, T819P, T1604P, T1633P.
Identifiers: ClinVar variation 2707968 (VCV002707968.3), dbSNP rs2468341123, ClinGen allele CA349070421.